The following is an entry in ClinVar:

ClinVar aggregate classification (germline): Likely benign. Review status: criteria provided, multiple submitters, no conflicts (2 of 4 stars). 2 submissions from 2 submitters: Likely benign (2). Last evaluated 2025-07-01.

Allele frequency attached by ClinVar (database versions not stated): ESP Exome Variant Server 0.00008; TOPMed 0.00012; ExAC 0.00014; gnomAD 0.00016.
gnomAD v4.1: 479 of 1,402,192 alleles (0.034%); highest among the groups gnomAD compares: Non-Finnish European, 0.043%; no homozygotes.

Submissions (2):

CeGaT Center for Human Genetics Tuebingen
Classification: Likely benign. Last evaluated: 2025-07-01. Review status: criteria provided, single submitter. Criteria: CeGaT Center For Human Genetics Tuebingen Variant Classification Criteria Version 2. Collection method: clinical testing. Allele origin: germline. Affected: yes. Observed: 2 variant alleles.
Comment: ALKBH8: BP4

Blueprint Genetics
Classification: Likely benign. Last evaluated: 2024-09-03. Review status: criteria provided, single submitter. Criteria: ACMG Guidelines, 2015. Collection method: clinical testing. Allele origin: germline.

NM_138775.3(ALKBH8):c.345G>C (p.Leu115=)

Gene: ALKBH8 (alkB homolog 8, tRNA methyltransferase; minus strand). Cytogenetic location: 11q22.3.
Variant type: single nucleotide variant.
Coding change: c.345G>C on transcript NM_138775.3 (MANE Select); coding-DNA position 345, G replaced by C.
Protein change: p.Leu115=; no amino-acid change (leucine 115 retained).
Molecular consequence: synonymous variant. On other transcripts: non-coding transcript variant (6).
Genome position (GRCh38, 1-based): chr11:107,556,788, C>G on the plus strand (G>C on the coding strand, the complement: ALKBH8 is on the minus strand). VCF-style: chr11-107556788-C-G. GRCh37 (hg19) VCF-style: chr11-107427514-C-G.
Other names: c.345G>C, p.Leu115= (NM_001301010.3, NM_001378133.1).
Identifiers: ClinVar variation 2498533 (VCV002498533.29), dbSNP rs200241711, ClinGen allele CA6261272.